The following is an entry in ClinVar:

NM_001042492.3(NF1):c.1717A>G (p.Ile573Val)

Gene: NF1 (neurofibromin 1; plus strand). Cytogenetic location: 17q11.2.
Variant type: single nucleotide variant.
Coding change: c.1717A>G on transcript NM_001042492.3 (MANE Select); coding-DNA position 1717, A replaced by G.
Protein change: p.Ile573Val; replaces isoleucine 573 with valine.
Molecular consequence: missense variant.
Genome position (GRCh38, 1-based): chr17:31,221,925, A>G. VCF-style: chr17-31221925-A-G. GRCh37 (hg19) VCF-style: chr17-29548943-A-G.
Other names: c.1717A>G, p.Ile573Val (NM_000267.4, NM_001128147.3); short protein forms I573V.
Identifiers: ClinVar variation 646490 (VCV000646490.9), dbSNP rs1597706766, ClinGen allele CA399002379.

ClinVar aggregate classification (germline): Conflicting classifications of pathogenicity. Review status: criteria provided, conflicting classifications (1 of 4 stars). 3 submissions from 3 submitters: Pathogenic (1); Uncertain significance (2). Last evaluated 2022-08-05.

Conditions:
Neurofibromatosis, type 1 (NF1). Also called: NEUROFIBROMATOSIS, TYPE I, SOMATIC; VON RECKLINGHAUSEN DISEASE; Neurofibromatosis, type I; Peripheral type neurofibromatosis. Identifiers: Orphanet 636, MedGen C0027831, MONDO:0018975, OMIM 162200. Disease mechanism: loss of function.

Submissions (3):

GeneDx
Classification: Pathogenic. Last evaluated: 2022-08-05. Review status: criteria provided, single submitter. Criteria: GeneDx Variant Classification Process June 2021. Collection method: clinical testing. Allele origin: germline. Affected: yes.
Comment: Not observed in large population cohorts (gnomAD); In silico analysis supports a deleterious effect on splicing; In silico analysis supports that this missense variant does not alter protein structure/function; Has not been previously published as pathogenic or benign to our knowledge

Genome-Nilou Lab
Classification: Uncertain significance for Neurofibromatosis, type 1. Last evaluated: 2022-03-15. Review status: criteria provided, single submitter. Criteria: ACMG Guidelines, 2015. Collection method: clinical testing. Allele origin: germline. Affected: no.

Labcorp Genetics (formerly Invitae), Labcorp
Classification: Uncertain significance for Neurofibromatosis, type 1. Last evaluated: 2021-08-06. Review status: criteria provided, single submitter. Criteria: Invitae Variant Classification Sherloc (09022015). Collection method: clinical testing. Allele origin: germline.
Comment: This sequence change replaces isoleucine with valine at codon 573 of the NF1 protein (p.Ile573Val). The isoleucine residue is highly conserved and there is a small physicochemical difference between isoleucine and valine. This variant is not present in population databases (ExAC no frequency). This variant has not been reported in the literature in individuals with NF1-related disease. Algorithms developed to predict the effect of missense changes on protein structure and function are either unavailable or do not agree on the potential impact of this missense change (SIFT: "Deleterious"; PolyPhen-2: "Possibly Damaging"; Align-GVGD: "Class C0"). Algorithms developed to predict the effect of sequence changes on RNA splicing suggest that this variant may create or strengthen a splice site, but this prediction has not been confirmed by published transcriptional studies. In summary, the available evidence is currently insufficient to determine the role of this variant in disease. Therefore, it has been classified as a Variant of Uncertain Significance.